The following is an entry in ClinVar:

NM_002608.4(PDGFB):c.670C>T (p.Arg224Trp)

Gene: PDGFB (platelet derived growth factor subunit B; minus strand). Cytogenetic location: 22q13.1.
Variant type: single nucleotide variant.
Coding change: c.670C>T on transcript NM_002608.4 (MANE Select); coding-DNA position 670, C replaced by T.
Protein change: p.Arg224Trp; replaces arginine 224 with tryptophan.
Molecular consequence: missense variant.
Genome position (GRCh38, 1-based): chr22:39,225,779, G>A on the plus strand (C>T on the coding strand, the complement: PDGFB is on the minus strand). VCF-style: chr22-39225779-G-A. GRCh37 (hg19) VCF-style: chr22-39621784-G-A.
Other names: p.Arg224Trp; c.625C>T, p.Arg209Trp (NM_033016.3); short protein forms R224W, R209W.
Identifiers: ClinVar variation 522278 (VCV000522278.15), dbSNP rs146468845, ClinGen allele CA10240017.

ClinVar aggregate classification (germline): Benign/Likely benign. Review status: criteria provided, multiple submitters, no conflicts (2 of 4 stars). 5 submissions from 5 submitters: Benign (2); Likely benign (2). 1 of the submissions does not count toward it. Last evaluated 2025-10-29.

Conditions:
Dermatofibrosarcoma protuberans (DFSP). Also called: Familial dermatofibrosarcoma protuberans (subtype); Metastatic dermatofibrosarcoma protuberans (subtype); DERMATOFIBROSARCOMA PROTUBERANS, SOMATIC; GIANT CELL FIBROBLASTOMA. Identifiers: Orphanet 31112, MedGen C3693482, MONDO:0011934, OMIM 607907.

Allele frequency attached by ClinVar (database versions not stated): ExAC 0.00076; TOPMed 0.00083; gnomAD 0.00090 and 0.00093; ESP Exome Variant Server 0.00115.

Submissions (5):

Labcorp Genetics (formerly Invitae), Labcorp
Classification: Likely benign. Last evaluated: 2025-10-29. Review status: criteria provided, single submitter. Criteria: Invitae Variant Classification Sherloc (09022015). Collection method: clinical testing. Allele origin: germline.

Blueprint Genetics
Classification: Likely benign. Last evaluated: 2024-11-26. Review status: criteria provided, single submitter. Criteria: ACMG Guidelines, 2015. Collection method: clinical testing. Allele origin: germline.

Mayo Clinic Laboratories, Mayo Clinic
Classification: Benign. Last evaluated: 2024-01-16. Review status: criteria provided, single submitter. Criteria: ACMG Guidelines, 2015. Collection method: clinical testing. Allele origin: germline. Observed: 3 variant alleles.
Comment: BS1, BS2, BP4

GeneDx
Classification: Benign. Last evaluated: 2019-08-12. Review status: criteria provided, single submitter. Criteria: GeneDx Variant Classification Process June 2021. Collection method: clinical testing. Allele origin: germline. Affected: yes.

Genome Diagnostics Laboratory, Amsterdam University Medical Center
Classification: Uncertain significance for Dermatofibrosarcoma protuberans. Last evaluated: 2016-02-09. Review status: no assertion criteria provided. Criteria: ACGS Guidelines, 2013. Collection method: clinical testing. Allele origin: germline. Affected: yes. Study: VKGL Data-share Consensus. Not counted in ClinVar's aggregate classification.